The following is an entry in ClinVar:

ClinVar aggregate classification (germline): Benign/Likely benign. Review status: criteria provided, multiple submitters, no conflicts (2 of 4 stars). 7 submissions from 7 submitters: Benign (5); Likely benign (2). Last evaluated 2026-09-01.

Allele frequency attached by ClinVar (database versions not stated): 1000 Genomes Project 30x 0.00468; 1000 Genomes Project 0.00499; gnomAD 0.00541 and 0.00564; TOPMed 0.00546; ESP Exome Variant Server 0.00551; gnomAD exomes 0.00747; ExAC 0.00820.

Submissions (7):

CeGaT Center for Human Genetics Tuebingen
Classification: Benign. Last evaluated: 2026-09-01. Review status: criteria provided, single submitter. Criteria: CeGaT Center For Human Genetics Tuebingen Variant Classification Criteria Version 2. Collection method: clinical testing. Allele origin: germline. Affected: yes. Observed: 23 variant alleles.
Comment: TUBB2B: BP4, BP7, BS1, BS2

Labcorp Genetics (formerly Invitae), Labcorp
Classification: Benign. Last evaluated: 2026-02-01. Review status: criteria provided, single submitter. Criteria: Invitae Variant Classification Sherloc (09022015). Collection method: clinical testing. Allele origin: germline.

Mayo Clinic Laboratories, Mayo Clinic
Classification: Benign. Last evaluated: 2024-10-29. Review status: criteria provided, single submitter. Criteria: ACMG Guidelines, 2015. Collection method: clinical testing. Allele origin: germline. Observed: 2 variant alleles.
Comment: BS1, BS2, BP4, BP7

GeneDx
Classification: Benign. Last evaluated: 2018-02-14. Review status: criteria provided, single submitter. Criteria: GeneDx Variant Classification (06012015). Collection method: clinical testing. Allele origin: germline. Affected: yes.
Comment: This variant is considered likely benign or benign based on one or more of the following criteria: it is a conservative change, it occurs at a poorly conserved position in the protein, it is predicted to be benign by multiple in silico algorithms, and/or has population frequency not consistent with disease.

Eurofins Ntd Llc (ga)
Classification: Benign. Last evaluated: 2015-06-24. Review status: criteria provided, single submitter. Criteria: EGL Classification Definitions 2015. Collection method: clinical testing. Allele origin: germline. Observed: 3 variant alleles, 3 heterozygotes.

Genetic Services Laboratory, University of Chicago
Classification: Likely benign. Last evaluated: 2013-08-19. Review status: criteria provided, single submitter. Criteria: ACMG Guidelines, 2007. Collection method: clinical testing. Allele origin: germline. Inheritance: Autosomal dominant inheritance.
Comment: Likely benign based on allele frequency in 1000 Genomes Project or ESP global frequency and its presence in a patient with a rare or unrelated disease phenotype. NOT Sanger confirmed

Breakthrough Genomics
Classification: Likely benign. Review status: criteria provided, single submitter. Criteria: ACMG Guidelines, 2015. Collection method: not provided. Allele origin: germline. Inheritance: Autosomal dominant inheritance. Affected: yes.

NM_178012.5(TUBB2B):c.330C>T (p.Ala110=)

Gene: TUBB2B (tubulin beta 2B class IIb; minus strand). Cytogenetic location: 6p25.2.
Variant type: single nucleotide variant.
Coding change: c.330C>T on transcript NM_178012.5 (MANE Select); coding-DNA position 330, C replaced by T.
Protein change: p.Ala110=; no amino-acid change (alanine 110 retained).
Molecular consequence: synonymous variant.
Genome position (GRCh38, 1-based): chr6:3,225,759, G>A on the plus strand (C>T on the coding strand, the complement: TUBB2B is on the minus strand). VCF-style: chr6-3225759-G-A. GRCh37 (hg19) VCF-style: chr6-3225993-G-A.
Other names: p.Ala110=.
Identifiers: ClinVar variation 160180 (VCV000160180.49), dbSNP rs141251993, ClinGen allele CA173777.